The following is an entry in ClinVar:

NM_000092.5(COL4A4):c.*3187G>A

Gene: COL4A4 (collagen type IV alpha 4 chain; minus strand). Cytogenetic location: 2q36.3.
Variant type: single nucleotide variant.
Coding change: c.*3187G>A on transcript NM_000092.5 (MANE Select); 3187 bases downstream of the stop codon, G replaced by A.
Molecular consequence: 3 prime UTR variant.
Genome position (GRCh38, 1-based): chr2:227,004,138, C>T on the plus strand (G>A on the coding strand, the complement: COL4A4 is on the minus strand). VCF-style: chr2-227004138-C-T. GRCh37 (hg19) VCF-style: chr2-227868854-C-T.
Identifiers: ClinVar variation 334664 (VCV000334664.6), dbSNP rs56324594, ClinGen allele CA10614566.
Genomic context (GRCh38, chr2:227,004,138, plus strand): 5'-AATGTGTTCAACTCTGTGCTAGGCATTAGGCATACAAAAACGAGTCAAGCATGGTCCCTG[C>T]CCTCAAGGGGCTTGCATTTTGGCAATGGAATGAAGGAAGTGCACTGAGACATTAAAGAAG-3'

ClinVar aggregate classification (germline): Benign. Review status: criteria provided, multiple submitters, no conflicts (2 of 4 stars). 2 submissions from 2 submitters: Benign (2). Last evaluated 2018-01-12.

Conditions:
Alport syndrome. Also called: Hemorrhagic familial nephritis; Hemorrhagic hereditary nephritis; Congenital hereditary hematuria. Identifiers: Orphanet 63, MedGen C1567741, MONDO:0018965.

Allele frequency attached by ClinVar (database versions not stated): gnomAD 0.43648 and 0.43204; 1000 Genomes Project 0.46825; TOPMed 0.43373; 1000 Genomes Project 30x 0.46611; gnomAD exomes 0.50000.
gnomAD v4.1: 66,244 of 152,054 alleles (44%); highest among the groups gnomAD compares: South Asian, 57%; 14,530 homozygotes.

Submissions (2):

Illumina Laboratory Services, Illumina
Classification: Benign for Alport syndrome. Last evaluated: 2018-01-12. Review status: criteria provided, single submitter. Criteria: ICSL Variant Classification Criteria 13 December 2019. Collection method: clinical testing. Allele origin: germline.
Comment: This variant was observed in the ICSL laboratory as part of a predisposition screen in an ostensibly healthy population. It had not been previously curated by ICSL or reported in the Human Gene Mutation Database (HGMD: prior to June 1st, 2018), and was therefore a candidate for classification through an automated scoring system. Utilizing variant allele frequency, disease prevalence and penetrance estimates, and inheritance mode, an automated score was calculated to assess if this variant is too frequent to cause the disease. Based on the score and internal cut-off values, a variant classified as benign is not then subjected to further curation. The score for this variant resulted in a classification of benign for this disease.

Breakthrough Genomics
Classification: Benign. Review status: criteria provided, single submitter. Criteria: ACMG Guidelines, 2015. Collection method: not provided. Allele origin: germline. Inheritance: Autosomal recessive inheritance. Affected: yes.